The following is an entry in ClinVar:

NM_001267550.2(TTN):c.99434G>A (p.Arg33145Gln)

Genes: TTN (titin; minus strand), TTN-AS1 (TTN antisense RNA 1; plus strand). Cytogenetic location: 2q31.2.
Variant type: single nucleotide variant.
Coding change: c.99434G>A on transcript NM_001267550.2 (MANE Select); coding-DNA position 99434, G replaced by A.
Protein change: p.Arg33145Gln; replaces arginine 33145 with glutamine.
Molecular consequence: missense variant.
Genome position (GRCh38, 1-based): chr2:178,537,773, C>T on the plus strand (G>A on the coding strand, the complement: TTN is on the minus strand). VCF-style: chr2-178537773-C-T. GRCh37 (hg19) VCF-style: chr2-179402500-C-T.
Other names: c.91730G>A, p.Arg30577Gln (NM_133378.4); c.94511G>A, p.Arg31504Gln (NM_001256850.1); c.72239G>A, p.Arg24080Gln (NM_003319.4); c.72614G>A, p.Arg24205Gln (NM_133432.3); c.72815G>A, p.Arg24272Gln (NM_133437.4); short protein forms R33145Q, R30577Q, R24272Q, R24205Q, R31504Q, R24080Q.
Identifiers: ClinVar variation 47617 (VCV000047617.22), dbSNP rs371531675, ClinGen allele CA141513.

ClinVar aggregate classification (germline): Conflicting classifications of pathogenicity. Review status: criteria provided, conflicting classifications (1 of 4 stars). 9 submissions from 9 submitters: Uncertain significance (7); Likely benign (2). Last evaluated 2026-07-11.

Conditions:
TTN-related disorder. Also called: TTN-related condition; TTN-related disease; TTN-related disorders.
Autosomal recessive limb-girdle muscular dystrophy type 2J (LGMDR10). Also called: Limb-girdle muscular dystrophy, type 2J; MUSCULAR DYSTROPHY, LIMB-GIRDLE, AUTOSOMAL RECESSIVE 10. Identifiers: Orphanet 140922, MedGen C1837342, MONDO:0012127, OMIM 608807.
Dilated cardiomyopathy 1G (CMD1G). Identifiers: Orphanet 154, MedGen C1858763, MONDO:0011400, OMIM 604145.
Cardiomyopathy (CMYO). Also called: Cardiomyopathies. Identifiers: Orphanet 167848, MedGen C0878544, MONDO:0004994, HP:0001638. Inheritance: Various modes of inheritance.
Hypertrophic cardiomyopathy 9. Also called: Familial hypertrophic cardiomyopathy 9. Identifiers: MedGen C1861065, MONDO:0013412, OMIM 613765.

Allele frequency attached by ClinVar (database versions not stated): ExAC 0.00003; gnomAD exomes 0.00004; gnomAD 0.00005 and 0.00007; TOPMed 0.00006; ESP Exome Variant Server 0.00017; 1000 Genomes Project 0.00020; 1000 Genomes Project 30x 0.00031.
gnomAD v4.1: 74 of 1,613,648 alleles (0.0046%); highest among the groups gnomAD compares: Admixed American, 0.012%; no homozygotes.

Submissions (9):

PreventionGenetics, part of Exact Sciences
Classification: Uncertain significance for TTN-related condition. Last evaluated: 2026-07-11. Review status: criteria provided, single submitter. Criteria: ACMG Guidelines, 2015. Collection method: clinical testing. Allele origin: germline.
Comment: The TTN c.99434G>A variant is predicted to result in the amino acid substitution p.Arg33145Gln. This variant was reported in an individual with dilated cardiomyopathy (described as p.Arg30577Gln in Table S1, Pugh et al. 2014. PubMed ID: 24503780). This variant is reported in 0.025% of alleles in individuals of African descent in gnomAD. At this time, the clinical significance of this variant is uncertain due to the absence of conclusive functional and genetic evidence.

Blueprint Genetics
Classification: Likely benign. Last evaluated: 2024-11-07. Review status: criteria provided, single submitter. Criteria: ACMG Guidelines, 2015. Collection method: clinical testing. Allele origin: germline.

Clinical Genomics Laboratory, Washington University in St. Louis
Classification: Uncertain significance for Hypertrophic cardiomyopathy 9. Last evaluated: 2024-10-17. Review status: criteria provided, single submitter. Criteria: ACMG Guidelines, 2015. Collection method: clinical testing. Allele origin: germline.
Comment: The TTN c.99434G>A (p.Arg33145Gln) variant, to our knowledge, has been reported in an individual with dilated cardiomyopathy (Pugh TJ et al., PMID: 24503780). The highest population minor allele frequency in the population database genome aggregation database (v.2.1.1) is 0.02% in the other populations. This variant was reported in the ClinVar database as a variant of uncertain significance by five submitters and likely benign by one submitter (ClinVar ID: 47617). Computational predictors indicate this variant has no impact on TTN function. Due to limited information and based on ACMG/AMP guidelines for variant interpretation (Richards S et al., PMID: 25741868), the clinical significance of this variant is uncertain at this time.

Revvity Omics, Revvity
Classification: Uncertain significance. Last evaluated: 2022-01-24. Review status: criteria provided, single submitter. Criteria: ACMG Guidelines, 2015. Collection method: clinical testing. Allele origin: germline.

CHEO Genetics Diagnostic Laboratory, Children's Hospital of Eastern Ontario
Classification: Uncertain significance for Cardiomyopathy. Last evaluated: 2021-10-21. Review status: criteria provided, single submitter. Criteria: ACMG Guidelines, 2015. Collection method: clinical testing. Allele origin: germline.

GeneDx
Classification: Likely benign. Last evaluated: 2019-11-14. Review status: criteria provided, single submitter. Criteria: GeneDx Variant Classification Process June 2021. Collection method: clinical testing. Allele origin: germline. Affected: yes.
Comment: This variant is associated with the following publications: (PMID: 24503780)

Labcorp Genetics (formerly Invitae), Labcorp
Classification: Uncertain significance for Dilated cardiomyopathy 1G; Autosomal recessive limb-girdle muscular dystrophy type 2J. Last evaluated: 2016-11-18. Review status: criteria provided, single submitter. Criteria: Invitae Variant Classification Sherloc (09022015). Collection method: clinical testing. Allele origin: germline.

Eurofins Ntd Llc (ga)
Classification: Uncertain significance. Last evaluated: 2015-10-13. Review status: criteria provided, single submitter. Criteria: EGL Classification Definitions 2015. Collection method: clinical testing. Allele origin: germline. Observed: 1 variant allele, 1 heterozygote.

Laboratory for Molecular Medicine, Mass General Brigham Personalized Medicine
Classification: Uncertain significance. Last evaluated: 2015-07-06. Review status: criteria provided, single submitter. Criteria: LMM Criteria. Collection method: clinical testing. Allele origin: germline. Observed: 3 variant alleles.
Comment: The p.Arg30577Gln variant in TTN has been previously identified by our laborator y in 1 child with severe RVH and 1 child with DCM who also carried a likely path ogenic variant in this gene. It has been identified in 2/9788 African chromosome s by the Exome Aggregation Consortium (ExAC; dbS NP rs371531675). Computational prediction tools and conservation analysis do not provide strong support for or against an impact to the protein. In summary, the clinical significance of the p.Arg30577Gln variant is uncertain.

Literature cited by the submitters: PubMed 24503780 (cited by Eurofins Ntd Llc (ga)).